The following is an entry in ClinVar:

ClinVar aggregate classification (germline): Likely pathogenic (1 of 4 stars; one submission).

Conditions:
Familial hypocalciuric hypercalcemia 2. Also called: FAMILIAL BENIGN HYPERCALCEMIA, TYPE II; Hypocalciuric hypercalcemia, familial, type II; Hypocalciuric hypercalcemia, type II. Identifiers: Orphanet 101049, Orphanet 405, MedGen C1840347, MONDO:0007792, OMIM 145981.

Submission:

Research Laboratory, Department of Clinical and Experimental Medicine, University of Pisa
Classification: Likely pathogenic for Familial hypocalciuric hypercalcemia 2. Last evaluated: 2026-01-11. Review status: criteria provided, single submitter. Criteria: ACMG Guidelines, 2015. Collection method: clinical testing. Allele origin: germline. Inheritance: Autosomal dominant inheritance. Affected: yes and no. Observed: 3 variant alleles, 3 heterozygotes. Clinical features observed: Hypercalcemia (HP:0003072), Renal tubular lysine transport defect (HP:0008272).
Comment: The NM_002067.5:c.980_981del in exon 7 of the GNA11 gene is a heterozygous 2-base-pair deletion predicted to cause a frameshift (p.His327LeufsTer150), resulting in the formation of a new, elongated protein. All codons downstream of the deletion are misread, and a tail of 116 additional amino acids is introduced after residue 359, significantly altering the structure of the protein. No suspicious parathyroid lesions or latero-cervical lymphadenopathy were detected at neck ultrasound nor at cervical exploration during the total thyroidectomy for the removal of a thyroid follicular adenoma. Mutations in the coding exons and flanking regions of the CASR gene (NM_000388), responsible for FHH type 1, and the AP2S1 gene (NM_004069), responsible for FHH type 3, have been excluded by targeted next-generation sequencing. Previous studies have described GNA11 variants associated with FHH2 in unrelated patients from different families (PMID: 23802516, PMID: 26729423, PMID: 28833550, PMID: 36970776, PMID: 38920275, PMID: 41240382); however, this variant has never been previously reported. The variant lies within a strongly conserved stretch of amino acids and is classified as ‘likely pathogenic’ according to the ACMG/AMP criteria. This classification is supported by the combination of the following criteria: PVS1_strong (applied as a null variant in a gene where loss-of-function is an established disease mechanism, leading to an escaped nonsense-mediated mRNA decay that disrupts a critical functional domain), PM2_supporting (based on the complete absence of the variant from gnomAD genomes), PP1_supporting (based on co-segregation with phenotype in multiple affected family members in GNA11 gene, which is associated with Familial Hypocalciuric Hypercalcemia 2), and PP4_supporting (based on the patient’s phenotype highly specific for FHH2, given the previous exclusion of mutations in the other FHH causative genes, namely CASR and AP2S1).

Literature cited by the submitters: PubMed 23802516; PubMed 26729423; PubMed 28833550; PubMed 36970776; PubMed 38920275; PubMed 41240382.

NM_002067.5(GNA11):c.980_981del (p.His327fs)

Gene: GNA11 (G protein subunit alpha 11; plus strand). Cytogenetic location: 19p13.3.
Variant type: Microsatellite.
Coding change: c.980_981del on transcript NM_002067.5 (MANE Select); coding-DNA positions 980 to 981, 2 bases deleted (AC; older notation c.980_981delAC).
Protein change: p.His327fs; shifts the reading frame from histidine 327.
Molecular consequence: frameshift variant.
Genome position (GRCh38, 1-based): chr19:3,121,079-3,121,080, AC deleted; deleting any 2 consecutive bases within chr19:3,121,076-3,121,080 gives the same sequence; the c. name uses the placement nearest the transcript's 3' end. VCF-style (leftmost placement, unchanged base first): chr19-3121075-TCA-T. GRCh37 (hg19) VCF-style: chr19-3121073-TCA-T.
Other names: short protein forms H327fs.
Identifiers: ClinVar variation 4884468 (VCV004884468.1).